The following is an entry in ClinVar:

NM_003745.2(SOCS1):c.100G>A (p.Ala34Thr)

Genes: SOCS1 (suppressor of cytokine signaling 1; minus strand), LOC130058479 (ATAC-STARR-seq lymphoblastoid silent region 7198; plus strand). Cytogenetic location: 16p13.13.
Variant type: single nucleotide variant.
Coding change: c.100G>A on transcript NM_003745.2 (MANE Select); coding-DNA position 100, G replaced by A.
Protein change: p.Ala34Thr; replaces alanine 34 with threonine.
Molecular consequence: missense variant.
Genome position (GRCh38, 1-based): chr16:11,255,379, C>T on the plus strand (G>A on the coding strand, the complement: SOCS1 is on the minus strand). VCF-style: chr16-11255379-C-T. GRCh37 (hg19) VCF-style: chr16-11349236-C-T.
Other names: short protein forms A34T.
Identifiers: ClinVar variation 2498651 (VCV002498651.28), dbSNP rs1233626909, ClinGen allele CA394740755.

ClinVar aggregate classification (germline): Uncertain significance (1 of 4 stars; one submission).

Submission:

CeGaT Center for Human Genetics Tuebingen
Classification: Uncertain significance. Last evaluated: 2023-03-01. Review status: criteria provided, single submitter. Criteria: CeGaT Center For Human Genetics Tuebingen Variant Classification Criteria Version 2. Collection method: clinical testing. Allele origin: germline. Affected: yes. Observed: 1 variant allele.
Comment: SOCS1: PM2